The following is an entry in ClinVar:

ClinVar aggregate classification (germline): Likely benign. Review status: criteria provided, multiple submitters, no conflicts (2 of 4 stars). 6 submissions from 6 submitters: Likely benign (5). 1 of the submissions does not count toward it. Last evaluated 2026-02-02.

Conditions:
FAT1-related disorder. Also called: FAT1-related condition.

Allele frequency attached by ClinVar (database versions not stated): 1000 Genomes Project 30x 0.00078; gnomAD 0.00089 and 0.00107; 1000 Genomes Project 0.00100; TOPMed 0.00107; ESP Exome Variant Server 0.00152; ExAC 0.00169; gnomAD exomes 0.00173.
gnomAD v4.1: 2,433 of 1,613,926 alleles (0.15%); highest among the groups gnomAD compares: Middle Eastern, 0.97%; 13 homozygotes.

Submissions (6):

Labcorp Genetics (formerly Invitae), Labcorp
Classification: Likely benign. Last evaluated: 2026-02-02. Review status: criteria provided, single submitter. Criteria: Invitae Variant Classification Sherloc (09022015). Collection method: clinical testing. Allele origin: germline.

CeGaT Center for Human Genetics Tuebingen
Classification: Likely benign. Last evaluated: 2025-09-01. Review status: criteria provided, single submitter. Criteria: CeGaT Center For Human Genetics Tuebingen Variant Classification Criteria Version 2. Collection method: clinical testing. Allele origin: germline. Affected: yes. Observed: 11 variant alleles.
Comment: FAT1: BP4, BS2

Blueprint Genetics
Classification: Likely benign. Last evaluated: 2024-11-26. Review status: criteria provided, single submitter. Criteria: ACMG Guidelines, 2015. Collection method: clinical testing. Allele origin: germline.

Department of Pathology and Laboratory Medicine, Sinai Health System
Classification: Likely benign for FAT1-related disorder. Last evaluated: 2021-07-30. Review status: criteria provided, single submitter. Criteria: ACMG Guidelines, 2015. Collection method: research. Allele origin: germline.

Breakthrough Genomics
Classification: Likely benign. Review status: criteria provided, single submitter. Criteria: ACMG Guidelines, 2015. Collection method: not provided. Allele origin: germline. Inheritance: Unknown mechanism. Affected: yes.

PreventionGenetics, part of Exact Sciences
Classification: Likely benign for FAT1-related condition. Last evaluated: 2022-02-14. Review status: no assertion criteria provided. Collection method: clinical testing. Allele origin: germline. Not counted in ClinVar's aggregate classification.
Comment: This variant is classified as likely benign based on ACMG/AMP sequence variant interpretation guidelines (Richards et al. 2015 PMID: 25741868, with internal and published modifications).

NM_005245.4(FAT1):c.2641C>T (p.Arg881Cys)

Gene: FAT1 (FAT atypical cadherin 1; minus strand). Cytogenetic location: 4q35.2.
Variant type: single nucleotide variant.
Coding change: c.2641C>T on transcript NM_005245.4 (MANE Select); coding-DNA position 2641, C replaced by T.
Protein change: p.Arg881Cys; replaces arginine 881 with cysteine.
Molecular consequence: missense variant.
Genome position (GRCh38, 1-based): chr4:186,707,187, G>A on the plus strand (C>T on the coding strand, the complement: FAT1 is on the minus strand). VCF-style: chr4-186707187-G-A. GRCh37 (hg19) VCF-style: chr4-187628341-G-A.
Other names: short protein forms R881C.
Identifiers: ClinVar variation 444646 (VCV000444646.55), dbSNP rs201450896, ClinGen allele CA3167219.